The following is an entry in ClinVar:

NM_032119.4(ADGRV1):c.6188T>C (p.Leu2063Ser)

Gene: ADGRV1 (adhesion G protein-coupled receptor V1; plus strand). Cytogenetic location: 5q14.3.
Variant type: single nucleotide variant.
Coding change: c.6188T>C on transcript NM_032119.4 (MANE Select); coding-DNA position 6188, T replaced by C.
Protein change: p.Leu2063Ser; replaces leucine 2063 with serine.
Molecular consequence: missense variant. On other transcripts: non-coding transcript variant (1).
Genome position (GRCh38, 1-based): chr5:90,684,109, T>C. VCF-style: chr5-90684109-T-C. GRCh37 (hg19) VCF-style: chr5-89979926-T-C.
Other names: short protein forms L2063S.
Identifiers: ClinVar variation 1492967 (VCV001492967.8), dbSNP rs2149586023, ClinGen allele CA360414316.
Genomic context (GRCh38, chr5:90,684,109, plus strand): 5'-CTTCTGGATTTGCTCTTTTTGGAGCTAATCAGAGTGAGGCAACAATAGCTATTTCAATTT[T>C]GGATGATGATGAGCCAGAAAGGTCCGAATCTGTCTTTATCGAACTACTCAACTCTACTTT-3'
Protein context (NP_115495.3, residues 2053-2073): QSEATIAISI[Leu2063Ser]DDDEPERSES

ClinVar aggregate classification (germline): Uncertain significance (1 of 4 stars; one submission).

Submission:

Labcorp Genetics (formerly Invitae), Labcorp
Classification: Uncertain significance. Last evaluated: 2022-06-27. Review status: criteria provided, single submitter. Criteria: Invitae Variant Classification Sherloc (09022015). Collection method: clinical testing. Allele origin: germline.
Comment: This sequence change replaces leucine, which is neutral and non-polar, with serine, which is neutral and polar, at codon 2063 of the ADGRV1 protein (p.Leu2063Ser). This variant is not present in population databases (gnomAD no frequency). This variant has not been reported in the literature in individuals affected with ADGRV1-related conditions. Algorithms developed to predict the effect of missense changes on protein structure and function are either unavailable or do not agree on the potential impact of this missense change (SIFT: "Deleterious"; PolyPhen-2: "Probably Damaging"; Align-GVGD: "Class C0"). In summary, the available evidence is currently insufficient to determine the role of this variant in disease. Therefore, it has been classified as a Variant of Uncertain Significance.